The following is an entry in ClinVar:

NM_002184.4(IL6ST):c.1223A>C (p.Lys408Thr)

Gene: IL6ST (interleukin 6 cytokine family signal transducer; minus strand). Cytogenetic location: 5q11.2.
Variant type: single nucleotide variant.
Coding change: c.1223A>C on transcript NM_002184.4 (MANE Select); coding-DNA position 1223, A replaced by C.
Protein change: p.Lys408Thr; replaces lysine 408 with threonine.
Molecular consequence: missense variant. On other transcripts: 3 prime UTR variant (1), non-coding transcript variant (2).
Genome position (GRCh38, 1-based): chr5:55,956,069, T>G on the plus strand (A>C on the coding strand, the complement: IL6ST is on the minus strand). VCF-style: chr5-55956069-T-G. GRCh37 (hg19) VCF-style: chr5-55251897-T-G.
Other names: c.1223A>C, p.Lys408Thr (NM_001190981.2, NM_001364275.2); c.1013A>C, p.Lys338Thr (NM_001364276.2); c.356A>C, p.Lys119Thr (NM_001364277.2); c.320A>C, p.Lys107Thr (NM_001364278.2); c.227A>C, p.Lys76Thr (NM_001364279.2); c.*150A>C (NM_175767.3); short protein forms K408T, K107T, K119T, K338T, K76T.
Identifiers: ClinVar variation 1379352 (VCV001379352.6), dbSNP rs2111712213, ClinGen allele CA359763937.

ClinVar aggregate classification (germline): Uncertain significance (1 of 4 stars; one submission).

Allele frequency attached by ClinVar (database versions not stated): gnomAD exomes below 0.00001.
gnomAD v4.1: 1 of 1,613,844 alleles (0.000062%); highest among the groups gnomAD compares: Non-Finnish European, 0.000085%; no homozygotes.

Submission:

Labcorp Genetics (formerly Invitae), Labcorp
Classification: Uncertain significance. Last evaluated: 2021-09-03. Review status: criteria provided, single submitter. Criteria: Invitae Variant Classification Sherloc (09022015). Collection method: clinical testing. Allele origin: germline.
Comment: In summary, the available evidence is currently insufficient to determine the role of this variant in disease. Therefore, it has been classified as a Variant of Uncertain Significance. Algorithms developed to predict the effect of missense changes on protein structure and function output the following: SIFT: "Tolerated"; PolyPhen-2: "Benign"; Align-GVGD: "Class C0". The threonine amino acid residue is found in multiple mammalian species, which suggests that this missense change does not adversely affect protein function. This variant has not been reported in the literature in individuals affected with IL6ST-related conditions. This variant is not present in population databases (ExAC no frequency). This sequence change replaces lysine with threonine at codon 408 of the IL6ST protein (p.Lys408Thr). The lysine residue is moderately conserved and there is a moderate physicochemical difference between lysine and threonine.